The following is an entry in ClinVar:

ClinVar aggregate classification (germline): Likely pathogenic. Review status: criteria provided, multiple submitters, no conflicts (2 of 4 stars). 3 submissions from 3 submitters: Likely pathogenic (2). 1 of the submissions does not count toward it. Last evaluated 2022-08-08.

Conditions:
Sandhoff disease. Also called: GM2-GANGLIOSIDOSIS, TYPE II; HEXOSAMINIDASES A AND B DEFICIENCY; Beta-hexosaminidase-beta-subunit deficiency; GM2 gangliosidosis, type 2; Total hexosaminidase deficiency; Sandhoff-Jatzkewitz-Pilz disease. Identifiers: Orphanet 796, MedGen C0036161, MONDO:0010006, OMIM 268800.

Submissions (3):

Women's Health and Genetics/Laboratory Corporation of America, LabCorp
Classification: Likely pathogenic for Sandhoff disease. Last evaluated: 2022-08-08. Review status: criteria provided, single submitter. Criteria: LabCorp Variant Classification Summary - May 2015. Collection method: clinical testing. Allele origin: germline.
Comment: Variant summary: HEXB c.1418-12_1418del13 is located in a canonical splice-site and is predicted to affect mRNA splicing resulting in a significantly altered protein due to either exon skipping, shortening, or inclusion of intronic material. Several computational tools predict a significant impact on normal splicing: Four predict the variant abolishes the canonical 3' splice acceptor site. However, these predictions have yet to be confirmed by functional studies. The variant was absent in 251234 control chromosomes. To our knowledge, no occurrence of c.1418-12_1418del13 in individuals affected with Sandhoff Disease and no experimental evidence demonstrating its impact on protein function have been reported. One clinical diagnostic laboratory has submitted clinical-significance assessments for this variant to ClinVar after 2014 without evidence for independent evaluation and classified the variant as likely pathogenic. Based on the evidence outlined above, the variant was classified as likely pathogenic.

Labcorp Genetics (formerly Invitae), Labcorp
Classification: Likely pathogenic for Sandhoff disease. Last evaluated: 2021-12-27. Review status: criteria provided, single submitter. Criteria: Invitae Variant Classification Sherloc (09022015). Collection method: clinical testing. Allele origin: germline.
Comment: In summary, the currently available evidence indicates that the variant is pathogenic, but additional data are needed to prove that conclusively. Therefore, this variant has been classified as Likely Pathogenic. Algorithms developed to predict the effect of sequence changes on RNA splicing suggest that this variant may disrupt the consensus splice site. ClinVar contains an entry for this variant (Variation ID: 553888). This variant has not been reported in the literature in individuals affected with HEXB-related conditions. This variant is not present in population databases (gnomAD no frequency). This variant results in the deletion of part of exon 12 (c.1418-12_1418del) of the HEXB gene. It is expected to disrupt RNA splicing. Variants that disrupt the donor or acceptor splice site typically lead to a loss of protein function (PMID: 16199547), and loss-of-function variants in HEXB are known to be pathogenic (PMID: 7550345, 18758829).

Counsyl
Classification: Likely pathogenic for Sandhoff disease. Last evaluated: 2017-09-18. Review status: no assertion criteria provided. Collection method: clinical testing. Allele origin: unknown. Not counted in ClinVar's aggregate classification.

Literature cited by the submitters: PubMed 16199547 (cited by Labcorp Genetics (formerly Invitae), Labcorp); PubMed 7550345 (cited by Labcorp Genetics (formerly Invitae), Labcorp); PubMed 18758829 (cited by Labcorp Genetics (formerly Invitae), Labcorp).

NM_000521.4(HEXB):c.1418-12_1418del

Gene: HEXB (hexosaminidase subunit beta; plus strand). Cytogenetic location: 5q13.3.
Variant type: Deletion.
Coding change: c.1418-12_1418del on transcript NM_000521.4 (MANE Select); 12 bases into the intron before coding-DNA position 1418 through coding-DNA position 1418, 13 bases deleted (ATTTTAATTTAGG).
Molecular consequence: splice acceptor variant.
Genome position (GRCh38, 1-based): chr5:74,720,416-74,720,428, ATTTTAATTTAGG deleted; deleting any 13 consecutive bases within chr5:74,720,415-74,720,428 gives the same sequence; the c. name uses the placement nearest the transcript's 3' end. VCF-style (leftmost placement, unchanged base first): chr5-74720414-TGATTTTAATTTAG-T. GRCh37 (hg19) VCF-style: chr5-74016239-TGATTTTAATTTAG-T.
Other names: c.743-12_743del (NM_001292004.2); c.1418-12_1418del13 (NM_000521.3).
Identifiers: ClinVar variation 553888 (VCV000553888.7), dbSNP rs1554037076, ClinGen allele CA658822010.
Genomic context (GRCh38, chr5:74,720,414, plus strand): 5'-ACAAATCTTGATGAAATATTGCCTCTGTGTATAAGCTTTGAACTTCTGAACTTAATTCAA[TGATTTTAATTTAG>T]GTACTCAGAAACAGAAACAACTTTTCATTGGTGGAGAAGCTTGTCTATGGGGAGAATATG-3'